The following is an entry in ClinVar:

ClinVar aggregate classification (germline): Conflicting classifications of pathogenicity. Review status: criteria provided, conflicting classifications (1 of 4 stars). 6 submissions from 6 submitters: Uncertain significance (2); Likely benign (3). 1 of the submissions does not count toward it. Last evaluated 2026-01-19.

Conditions:
ITGA7-related disorder. Also called: ITGA7-related condition.
Congenital muscular dystrophy due to integrin alpha-7 deficiency. Also called: MYOPATHY, CONGENITAL, DUE TO INTEGRIN ALPHA-7 DEFICIENCY; Congenital muscular dystrophy with integrin alpha-7 deficiency; Muscular dystrophy, congenital, due to ITGA7 deficiency. Identifiers: Orphanet 34520, MedGen C2750786, MONDO:0013177, OMIM 613204.

Allele frequency attached by ClinVar (database versions not stated): gnomAD exomes 0.00007 and 0.00019; ExAC 0.00027; ESP Exome Variant Server 0.00054; gnomAD 0.00074 and 0.00083; 1000 Genomes Project 30x 0.00078; 1000 Genomes Project 0.00080; TOPMed 0.00089.
gnomAD v4.1: 231 of 1,614,070 alleles (0.014%); highest among the groups gnomAD compares: African/African-American, 0.27%; no homozygotes.

Submissions (6):

Labcorp Genetics (formerly Invitae), Labcorp
Classification: Likely benign for Congenital muscular dystrophy due to integrin alpha-7 deficiency. Last evaluated: 2026-01-19. Review status: criteria provided, single submitter. Criteria: Invitae Variant Classification Sherloc (09022015). Collection method: clinical testing. Allele origin: germline.

GeneDx
Classification: Likely benign. Last evaluated: 2020-08-26. Review status: criteria provided, single submitter. Criteria: GeneDx Variant Classification Process June 2021. Collection method: clinical testing. Allele origin: germline. Affected: yes.

Revvity Omics, Revvity
Classification: Uncertain significance for Congenital muscular dystrophy due to integrin alpha-7 deficiency. Last evaluated: 2020-07-20. Review status: criteria provided, single submitter. Criteria: ACMG Guidelines, 2015. Collection method: clinical testing. Allele origin: germline.

Athena Diagnostics
Classification: Likely benign. Last evaluated: 2019-05-03. Review status: criteria provided, single submitter. Criteria: Athena Diagnostics Criteria. Collection method: clinical testing. Allele origin: germline.

Eurofins Ntd Llc (ga)
Classification: Uncertain significance. Last evaluated: 2014-09-22. Review status: criteria provided, single submitter. Criteria: EGL Classification Definitions 2015. Collection method: clinical testing. Allele origin: germline. Observed: 1 variant allele, 1 heterozygote.

PreventionGenetics, part of Exact Sciences
Classification: Likely benign for ITGA7-related condition. Last evaluated: 2023-07-30. Review status: no assertion criteria provided. Collection method: clinical testing. Allele origin: germline. Not counted in ClinVar's aggregate classification.
Comment: This variant is classified as likely benign based on ACMG/AMP sequence variant interpretation guidelines (Richards et al. 2015 PMID: 25741868, with internal and published modifications).

NM_002206.3(ITGA7):c.1606C>T (p.Leu536Phe)

Gene: ITGA7 (integrin subunit alpha 7; minus strand). Cytogenetic location: 12q13.2.
Variant type: single nucleotide variant.
Coding change: c.1606C>T on transcript NM_002206.3 (MANE Select); coding-DNA position 1606, C replaced by T.
Protein change: p.Leu536Phe; replaces leucine 536 with phenylalanine.
Molecular consequence: missense variant.
Genome position (GRCh38, 1-based): chr12:55,697,030, G>A on the plus strand (C>T on the coding strand, the complement: ITGA7 is on the minus strand). VCF-style: chr12-55697030-G-A. GRCh37 (hg19) VCF-style: chr12-56090814-G-A.
Other names: c.1618C>T, p.Leu540Phe (NM_001144996.2); c.1327C>T, p.Leu443Phe (NM_001144997.2); c.1279C>T, p.Leu427Phe (NM_001367993.1); c.262C>T, p.Leu88Phe (NM_001367994.1); c.1588C>T, p.Leu530Phe (NM_001374465.1); c.1738C>T, p.Leu580Phe (NM_001410977.1); c.1600C>T, p.Leu534Phe (NM_001414029.1); c.1531C>T, p.Leu511Phe (NM_001414030.1); and 5 more; short protein forms L536F, L443F, L427F, L540F, L88F, L530F, L580F, L423F.
Identifiers: ClinVar variation 194046 (VCV000194046.60), dbSNP rs149028067, ClinGen allele CA239836.
Genomic context (GRCh38, chr12:55,697,030, plus strand): 5'-GGTGCTTGGGTTCTTCCAGGTTACGGCTCAGGAACGTCACACGGGGAACCTGGCCCCGGA[G>A]CCTCCGGTCTGTGTCCGCATCTAACACATAGTCCAGGGCTGTGGCATGTTGGGAAAGGAG-3'
Protein context (NP_002197.2, residues 526-546): YVLDADTDRR[Leu536Phe]RGQVPRVTFL